The following is an entry in ClinVar:

ClinVar aggregate classification (germline): Pathogenic. Review status: criteria provided, multiple submitters, no conflicts (2 of 4 stars). 4 submissions from 4 submitters: Pathogenic (3). 1 of the submissions does not count toward it. Last evaluated 2025-11-27.

Conditions:
Galactosemia. Also called: Galactose intolerance. Identifiers: Orphanet 352, MedGen C0016952, MONDO:0018116, HP:0004919. Disease mechanism: loss of function.
Deficiency of UDPglucose-hexose-1-phosphate uridylyltransferase. Also called: GALACTOSE-1-PHOSPHATE URIDYLYLTRANSFERASE DEFICIENCY; GALT deficiency; Galactosemia, classic; Transferase Deficiency Galactosemia; GALACTOSEMIA I. Identifiers: Orphanet 352, Orphanet 79239, MedGen C0268151, MONDO:0009258, OMIM 230400.

Allele frequency attached by ClinVar (database versions not stated): TOPMed below 0.00001; gnomAD exomes below 0.00001.

Submissions (4):

Labcorp Genetics (formerly Invitae), Labcorp
Classification: Pathogenic for Deficiency of UDPglucose-hexose-1-phosphate uridylyltransferase. Last evaluated: 2025-11-27. Review status: criteria provided, single submitter. Criteria: Invitae Variant Classification Sherloc (09022015). Collection method: clinical testing. Allele origin: germline.
Comment: This sequence change creates a premature translational stop signal (p.Trp249*) in the GALT gene. It is expected to result in an absent or disrupted protein product. Loss-of-function variants in GALT are known to be pathogenic (PMID: 22944367). The frequency data for this variant in the population databases is considered unreliable, as metrics indicate poor data quality at this position in the gnomAD database. This premature translational stop signal has been observed in individual(s) with galactosemia (PMID: 10408771, 10573007). ClinVar contains an entry for this variant (Variation ID: 25252). For these reasons, this variant has been classified as Pathogenic.

Natera, Inc.
Classification: Pathogenic for Galactosemia. Last evaluated: 2025-09-07. Review status: criteria provided, single submitter. Criteria: Natera Variant Classification Schema (03/2026). Collection method: clinical testing. Allele origin: germline.
Comment: The c.747G>A variant in GALT is a nonsense variant predicted to introduce a stop codon at amino acid 249. This variant is expected to result in nonsense mediated decay, truncation, or a dysfunctional protein product. This variant is rare in the general population with a frequency below the threshold expected for the associated phenotype(s). This variant has been observed in one or more individuals affected with the associated recessive disease, as either homozygous or compound heterozygous with a second variant (PMID: 30172461). Given the available evidence, this variant is classified as Pathogenic.

Mayo Clinic Laboratories, Mayo Clinic
Classification: Pathogenic. Last evaluated: 2024-01-26. Review status: criteria provided, single submitter. Criteria: ACMG Guidelines, 2015. Collection method: clinical testing. Allele origin: germline. Observed: 1 variant allele.
Comment: PP4, PM2_moderate, PM3, PVS1

Counsyl
Classification: Pathogenic for Deficiency of UDPglucose-hexose-1-phosphate uridylyltransferase. Last evaluated: 2016-10-03. Review status: no assertion criteria provided. Collection method: clinical testing. Allele origin: unknown. Not counted in ClinVar's aggregate classification.

Literature cited by the submitters: PubMed 22944367 (cited by Labcorp Genetics (formerly Invitae), Labcorp); PubMed 10408771 (cited by Labcorp Genetics (formerly Invitae), Labcorp and Mayo Clinic Laboratories, Mayo Clinic); PubMed 10573007 (cited by 3 submitters); PubMed 30172461 (cited by Natera, Inc. and Mayo Clinic Laboratories, Mayo Clinic); PubMed 11261429 (cited by Mayo Clinic Laboratories, Mayo Clinic); PubMed 21150919 (cited by Mayo Clinic Laboratories, Mayo Clinic); PubMed 25525159 (cited by Mayo Clinic Laboratories, Mayo Clinic); PubMed 29350350 (cited by Mayo Clinic Laboratories, Mayo Clinic).

NM_000155.4(GALT):c.747G>A (p.Trp249Ter)

Gene: GALT (galactose-1-phosphate uridylyltransferase; plus strand). Cytogenetic location: 9p13.3.
Variant type: single nucleotide variant.
Coding change: c.747G>A on transcript NM_000155.4 (MANE Select); coding-DNA position 747, G replaced by A.
Protein change: p.Trp249Ter; replaces tryptophan 249 with a stop codon.
Molecular consequence: nonsense.
Genome position (GRCh38, 1-based): chr9:34,648,821, G>A. VCF-style: chr9-34648821-G-A. GRCh37 (hg19) VCF-style: chr9-34648818-G-A.
Other names: p.Trp249*; c.420G>A, p.Trp140Ter (NM_001258332.2); short protein forms W249*, W140*.
Identifiers: ClinVar variation 25252 (VCV000025252.15), dbSNP rs111033758, ClinGen allele CA259485.
Genomic context (GRCh38, chr9:34,648,821, plus strand): 5'-GGAACGTCTGGTCCTAACCAGTGAGCACTGGTTAGTACTGGTCCCCTTCTGGGCAACATG[G>A]CCCTACCAGACACTGCTGCTGCCCCGTCGGCATGTGCGGCGGCTACCTGAGCTGACCCCT-3'